The following is an entry in ClinVar:

ClinVar aggregate classification (germline): Uncertain significance (1 of 4 stars; one submission).

Submission:

GeneDx
Classification: Uncertain significance. Last evaluated: 2022-06-10. Review status: criteria provided, single submitter. Criteria: GeneDx Variant Classification Process June 2021. Collection method: clinical testing. Allele origin: germline. Affected: yes.
Comment: Not observed at significant frequency in large population cohorts (gnomAD); In-frame deletion of 3 amino acids replaced with 1 different amino acid in a non-repeat region; In silico analysis supports a deleterious effect on protein structure/function; Has not been previously published as pathogenic or benign to our knowledge

NM_014991.6(WDFY3):c.9108_9113del (p.Glu3036_Asn3038delinsAsp)

Genes: WDFY3 (WD repeat and FYVE domain containing 3; minus strand), LOC126807101 (CDK7 strongly-dependent group 2 enhancer GRCh37_chr4:85612241-85613440; plus strand). Cytogenetic location: 4q21.23.
Variant type: Deletion.
Coding change: c.9108_9113del on transcript NM_014991.6 (MANE Select); coding-DNA positions 9108 to 9113, 6 bases deleted (ACAGAA; older notation c.9108_9113delACAGAA).
Protein change: p.Glu3036_Asn3038delinsAsp.
Molecular consequence: inframe indel.
Genome position (GRCh38, 1-based): chr4:84,691,722-84,691,727, TTCTGT deleted on the plus strand (ACAGAA on the coding strand, the reverse complement: WDFY3 is on the minus strand); deleting any 6 consecutive bases within chr4:84,691,722-84,691,728 gives the same sequence; the c. name uses the placement nearest the transcript's 3' end. VCF-style (leftmost placement, unchanged base first): chr4-84691721-ATTCTGT-A. GRCh37 (hg19) VCF-style: chr4-85612874-ATTCTGT-A.
Identifiers: ClinVar variation 1803656 (VCV001803656.1), dbSNP rs2530774951, ClinGen allele CA2580071846.